The following is an entry in ClinVar:

NM_001184880.2(PCDH19):c.2578C>G (p.Gln860Glu)

Genes: PCDH19 (protocadherin 19; minus strand), LOC125467768 (CDK7 strongly-dependent group 2 enhancer GRCh37_chrX:99657381-99658580; plus strand). Cytogenetic location: Xq22.1.
Variant type: single nucleotide variant.
Coding change: c.2578C>G on transcript NM_001184880.2 (MANE Select); coding-DNA position 2578, C replaced by G.
Protein change: p.Gln860Glu; replaces glutamine 860 with glutamic acid.
Molecular consequence: missense variant.
Genome position (GRCh38, 1-based): chrX:100,402,562, G>C on the plus strand (C>G on the coding strand, the complement: PCDH19 is on the minus strand). VCF-style: chrX-100402562-G-C. GRCh37 (hg19) VCF-style: chrX-99657560-G-C.
Other names: c.2437C>G, p.Gln813Glu (NM_001105243.2, NM_020766.3); c.2578C>G (NM_001184880.1); short protein forms Q813E, Q860E.
Identifiers: ClinVar variation 2151704 (VCV002151704.5), dbSNP rs200765277, ClinGen allele CA10468757.
Genomic context (GRCh38, chrX:100,402,562, plus strand): 5'-AGAGCCACTTAGCTGCACTCACCTCAGGCAGAGGCACACCGTTGATAATCAGGTCAGGCT[G>C]CTGGGGCCCCTGGCTGTTGAAAGAGTGATGGTAGATGTGGTTAGCACTGGTGTTGCGGGT-3'
Protein context (NP_001171809.1, residues 850-870): HHSFNSQGPQ[Gln860Glu]PDLIINGVPL

ClinVar aggregate classification (germline): Uncertain significance. Review status: criteria provided, multiple submitters, no conflicts (2 of 4 stars). 2 submissions from 2 submitters: Uncertain significance (2). Last evaluated 2025-09-24.

Conditions:
Developmental and epileptic encephalopathy, 9 (DEE9). Also called: Early infantile epileptic encephalopathy 9; EPILEPSY, FEMALE-RESTRICTED, WITH MENTAL RETARDATION; PCDH19-Related X-Linked Female-Limited Epilepsy with Mental Retardation; JUBERG-HELLMAN SYNDROME. Identifiers: Orphanet 101039, Orphanet 2076, MedGen C1848137, MONDO:0010246, OMIM 300088. Disease mechanism: loss of function.
Inborn genetic diseases. Identifiers: MedGen C0950123, MeSH D030342.

Allele frequency attached by ClinVar (database versions not stated): TOPMed below 0.00001; gnomAD 0.00001; ExAC 0.00002; gnomAD exomes 0.00008; 1000 Genomes Project 30x 0.00021.
gnomAD v4.1: 85 of 1,210,175 alleles (0.007%); highest among the groups gnomAD compares: Non-Finnish European, 0.0095%; no homozygotes.

Submissions (2):

Labcorp Genetics (formerly Invitae), Labcorp
Classification: Uncertain significance for Developmental and epileptic encephalopathy, 9. Last evaluated: 2025-09-24. Review status: criteria provided, single submitter. Criteria: Invitae Variant Classification Sherloc (09022015). Collection method: clinical testing. Allele origin: germline.
Comment: This sequence change replaces glutamine, which is neutral and polar, with glutamic acid, which is acidic and polar, at codon 860 of the PCDH19 protein (p.Gln860Glu). This variant is present in population databases (rs200765277, gnomAD 0.004%). This variant has not been reported in the literature in individuals affected with PCDH19-related conditions. ClinVar contains an entry for this variant (Variation ID: 2151704). Invitae Evidence Modeling of protein sequence and biophysical properties (such as structural, functional, and spatial information, amino acid conservation, physicochemical variation, residue mobility, and thermodynamic stability) indicates that this missense variant is not expected to disrupt PCDH19 protein function with a negative predictive value of 95%. In summary, the available evidence is currently insufficient to determine the role of this variant in disease. Therefore, it has been classified as a Variant of Uncertain Significance.

Ambry Genetics
Classification: Uncertain significance for Inborn genetic diseases. Last evaluated: 2025-06-18. Review status: criteria provided, single submitter. Criteria: Ambry Variant Classification Scheme 2023. Collection method: clinical testing. Allele origin: germline.